The following is an entry in ClinVar:

NM_001943.5(DSG2):c.1274A>C (p.His425Pro)

Gene: DSG2 (desmoglein 2; plus strand). Cytogenetic location: 18q12.1.
Variant type: single nucleotide variant.
Coding change: c.1274A>C on transcript NM_001943.5 (MANE Select); coding-DNA position 1274, A replaced by C.
Protein change: p.His425Pro; replaces histidine 425 with proline.
Molecular consequence: missense variant.
Genome position (GRCh38, 1-based): chr18:31,531,246, A>C. VCF-style: chr18-31531246-A-C. GRCh37 (hg19) VCF-style: chr18-29111209-A-C.
Other names: short protein forms H425P.
Identifiers: ClinVar variation 1302384 (VCV001302384.9), dbSNP rs746180213, ClinGen allele CA041796.
Genomic context (GRCh38, chr18:31,531,246, plus strand): 5'-GCAAAGGCCAAATAATTGGAAATTTTCAAGCTTTTGATGAGGACACTGGACTACCAGCCC[A>C]TGCAAGGTAAGAGAGAGTGACACGTGTATTTCTTTATTTTAAATTATTTTCAGTGCCTAT-3'
Protein context (NP_001934.2, residues 415-435): AFDEDTGLPA[His425Pro]ARYVKLEDRD

ClinVar aggregate classification (germline): Uncertain significance. Review status: criteria provided, multiple submitters, no conflicts (2 of 4 stars). 4 submissions from 4 submitters: Uncertain significance (4). Last evaluated 2026-09-11.

Conditions:
Cardiovascular phenotype. Identifiers: MedGen CN230736.
Arrhythmogenic right ventricular cardiomyopathy (ARVD). Also called: Cardiomyopathy, ARVC; Arrhythmogenic right ventricular dysplasia; Arrhythmogenic cardiomyopathy; Arrhythmogenic Right Ventricular Cardiomyopathy (ARVC). Identifiers: Orphanet 247, MedGen C0349788, MeSH D019571, MONDO:0016587. Disease mechanism: loss of function. Inheritance: Various modes of inheritance.
Arrhythmogenic right ventricular dysplasia 10. Also called: Arrhythmogenic right ventricular dysplasia/cardiomyopathy, type 10; Arrhythmogenic Right Ventricular Dysplasia/Cardiomyopathy10; ARRHYTHMOGENIC RIGHT VENTRICULAR DYSPLASIA, FAMILIAL, 10. Identifiers: MedGen C1857777, MONDO:0012434, OMIM 610193.

Allele frequency attached by ClinVar (database versions not stated): ExAC 0.00001; gnomAD exomes below 0.00001.
gnomAD v4.1: 6 of 1,614,184 alleles (0.00037%); highest among the groups gnomAD compares: Non-Finnish European, 0.00051%; no homozygotes.

Submissions (4):

Ambry Genetics
Classification: Uncertain significance for Cardiovascular phenotype. Last evaluated: 2026-09-11. Review status: criteria provided, single submitter. Criteria: Ambry Variant Classification Scheme 2023. Collection method: clinical testing. Allele origin: germline.
Comment: The p.H425P variant (also known as c.1274A>C), located in coding exon 9 of the DSG2 gene, results from an A to C substitution at nucleotide position 1274. The histidine at codon 425 is replaced by proline, an amino acid with similar properties. This amino acid position is conserved. In addition, this alteration is predicted to be tolerated by in silico analysis. Based on the available evidence, the clinical significance of this variant remains unclear.

Labcorp Genetics (formerly Invitae), Labcorp
Classification: Uncertain significance for Arrhythmogenic right ventricular dysplasia 10. Last evaluated: 2024-12-08. Review status: criteria provided, single submitter. Criteria: Invitae Variant Classification Sherloc (09022015). Collection method: clinical testing. Allele origin: germline.
Comment: This sequence change replaces histidine, which is basic and polar, with proline, which is neutral and non-polar, at codon 425 of the DSG2 protein (p.His425Pro). This variant is present in population databases (rs746180213, gnomAD 0.0009%). This variant has not been reported in the literature in individuals affected with DSG2-related conditions. ClinVar contains an entry for this variant (Variation ID: 1302384). Invitae Evidence Modeling of protein sequence and biophysical properties (such as structural, functional, and spatial information, amino acid conservation, physicochemical variation, residue mobility, and thermodynamic stability) indicates that this missense variant is not expected to disrupt DSG2 protein function with a negative predictive value of 95%. In summary, the available evidence is currently insufficient to determine the role of this variant in disease. Therefore, it has been classified as a Variant of Uncertain Significance.

All of Us Research Program, National Institutes of Health
Classification: Uncertain significance for Arrhythmogenic right ventricular cardiomyopathy. Last evaluated: 2023-12-18. Review status: criteria provided, single submitter. Criteria: ACMG Guidelines, 2015. Collection method: clinical testing. Allele origin: germline. Inheritance: Autosomal dominant inheritance. Observed: 1 variant allele, 1 heterozygote.
Comment: This missense variant replaces histidine with proline at codon 425 of the DSG2 protein. Computational prediction suggests that this variant may not impact protein structure and function (internally defined REVEL score threshold <= 0.5, PMID: 27666373). To our knowledge, functional studies have not been reported for this variant. This variant has not been reported in individuals affected with DSG2-related disorders in the literature. This variant has been identified in 1/249154 chromosomes in the general population by the Genome Aggregation Database (gnomAD). The available evidence is insufficient to determine the role of this variant in disease conclusively. Therefore, this variant is classified as a Variant of Uncertain Significance.

This study involves interpretation of variants in research participants for the purpose of population health screening. Participant phenotype was not available at the time of variant classification. Additional details can be found in publication PMID: 35346344, PMCID: PMC8962531

GeneDx
Classification: Uncertain significance. Last evaluated: 2019-04-25. Review status: criteria provided, single submitter. Criteria: GeneDx Variant Classification Process June 2021. Collection method: clinical testing. Allele origin: germline. Affected: yes.
Comment: Has not been previously published as pathogenic or benign to our knowledge; Not observed at a significant frequency in large population cohorts (Lek et al., 2016); In silico analysis, which includes protein predictors and evolutionary conservation, supports that this variant does not alter protein structure/function